The following is an entry in ClinVar:

NM_006642.5(SDCCAG8):c.578G>C (p.Gly193Ala)

Gene: SDCCAG8 (SHH signaling and ciliogenesis regulator SDCCAG8; plus strand). Cytogenetic location: 1q43.
Variant type: single nucleotide variant.
Coding change: c.578G>C on transcript NM_006642.5 (MANE Select); coding-DNA position 578, G replaced by C.
Protein change: p.Gly193Ala; replaces glycine 193 with alanine.
Molecular consequence: missense variant. On other transcripts: 5 prime UTR variant (3).
Genome position (GRCh38, 1-based): chr1:243,293,122, G>C. VCF-style: chr1-243293122-G-C. GRCh37 (hg19) VCF-style: chr1-243456424-G-C.
Other names: c.-535G>C (NM_001350246.2); c.-423G>C (NM_001350247.2); c.578G>C, p.Gly193Ala (NM_001350248.2); c.284G>C, p.Gly95Ala (NM_001350249.2); c.-796G>C (NM_001350251.2); short protein forms G193A, G95A.
Identifiers: ClinVar variation 1058130 (VCV001058130.9), dbSNP rs750128305, ClinGen allele CA1483352.

ClinVar aggregate classification (germline): Uncertain significance (1 of 4 stars; one submission).

Conditions:
Senior-Loken syndrome 7 (SLSN7). Identifiers: Orphanet 3156, MedGen C3150877, MONDO:0013326, OMIM 613615.
Bardet-Biedl syndrome 16 (BBS16). Identifiers: Orphanet 110, MedGen C3889474, MONDO:0014444, OMIM 615993.

gnomAD v4.1: 4 of 1,614,118 alleles (0.00025%); highest among the groups gnomAD compares: Admixed American, 0.0067%; no homozygotes.

Submission:

Labcorp Genetics (formerly Invitae), Labcorp
Classification: Uncertain significance for Bardet-Biedl syndrome 16; Senior-Loken syndrome 7. Last evaluated: 2024-09-16. Review status: criteria provided, single submitter. Criteria: Invitae Variant Classification Sherloc (09022015). Collection method: clinical testing. Allele origin: germline.
Comment: This sequence change replaces glycine, which is neutral and non-polar, with alanine, which is neutral and non-polar, at codon 193 of the SDCCAG8 protein (p.Gly193Ala). This variant is present in population databases (rs750128305, gnomAD 0.009%). This variant has not been reported in the literature in individuals affected with SDCCAG8-related conditions. ClinVar contains an entry for this variant (Variation ID: 1058130). Invitae Evidence Modeling of protein sequence and biophysical properties (such as structural, functional, and spatial information, amino acid conservation, physicochemical variation, residue mobility, and thermodynamic stability) indicates that this missense variant is not expected to disrupt SDCCAG8 protein function with a negative predictive value of 80%. In summary, the available evidence is currently insufficient to determine the role of this variant in disease. Therefore, it has been classified as a Variant of Uncertain Significance.